The following is an entry in ClinVar:

ClinVar aggregate classification (germline): Uncertain significance (1 of 4 stars; one submission).

Conditions:
Myofibrillar myopathy 5. Also called: FILAMINOPATHY, AUTOSOMAL DOMINANT; Filaminopathy (type). Identifiers: Orphanet 171445, MedGen C1836050, MONDO:0012289, OMIM 609524.
Distal myopathy with posterior leg and anterior hand involvement. Also called: WILLIAMS DISTAL MYOPATHY. Identifiers: Orphanet 63273, MedGen C3279722, MONDO:0013550, OMIM 614065.
Hypertrophic cardiomyopathy 26. Also called: Cardiomyopathy, familial hypertrophic, 26. Identifiers: Orphanet 75249, MedGen C4310749, MONDO:0014883, OMIM 617047.

Submission:

Labcorp Genetics (formerly Invitae), Labcorp
Classification: Uncertain significance for Distal myopathy with posterior leg and anterior hand involvement; Myofibrillar myopathy 5; Hypertrophic cardiomyopathy 26. Last evaluated: 2024-08-03. Review status: criteria provided, single submitter. Criteria: Invitae Variant Classification Sherloc (09022015). Collection method: clinical testing. Allele origin: germline.
Comment: This sequence change replaces lysine, which is basic and polar, with threonine, which is neutral and polar, at codon 26 of the FLNC protein (p.Lys26Thr). This variant is not present in population databases (gnomAD no frequency). This variant has not been reported in the literature in individuals affected with FLNC-related conditions. ClinVar contains an entry for this variant (Variation ID: 1366828). Advanced modeling of protein sequence and biophysical properties (such as structural, functional, and spatial information, amino acid conservation, physicochemical variation, residue mobility, and thermodynamic stability) has been performed at Invitae for this missense variant, however the output from this modeling did not meet the statistical confidence thresholds required to predict the impact of this variant on FLNC protein function. In summary, the available evidence is currently insufficient to determine the role of this variant in disease. Therefore, it has been classified as a Variant of Uncertain Significance.

NM_001458.5(FLNC):c.77A>C (p.Lys26Thr)

Gene: FLNC (filamin C; plus strand). Cytogenetic location: 7q32.1.
Variant type: single nucleotide variant.
Coding change: c.77A>C on transcript NM_001458.5 (MANE Select); coding-DNA position 77, A replaced by C.
Protein change: p.Lys26Thr; replaces lysine 26 with threonine.
Molecular consequence: missense variant.
Genome position (GRCh38, 1-based): chr7:128,830,714, A>C. VCF-style: chr7-128830714-A-C. GRCh37 (hg19) VCF-style: chr7-128470768-A-C.
Other names: c.77A>C, p.Lys26Thr (NM_001127487.2); short protein forms K26T.
Identifiers: ClinVar variation 1366828 (VCV001366828.8), dbSNP rs2128932111, ClinGen allele CA369215623.